The following is an entry in ClinVar:

ClinVar aggregate classification (germline): Likely benign. Review status: criteria provided, single submitter (1 of 4 stars). 2 submissions from 2 submitters: Likely benign (1). 1 of the submissions does not count toward it. Last evaluated 2023-11-14.

Conditions:
TRIP12-related disorder. Also called: TRIP12-related condition.

Allele frequency attached by ClinVar (database versions not stated): ExAC 0.00004; gnomAD 0.00007; ESP Exome Variant Server 0.00008; TOPMed 0.00013.
gnomAD v4.1: 60 of 1,612,218 alleles (0.0037%); highest among the groups gnomAD compares: African/African-American, 0.016%; no homozygotes.

Submissions (2):

Blueprint Genetics
Classification: Likely benign. Last evaluated: 2023-11-14. Review status: criteria provided, single submitter. Criteria: ACMG Guidelines, 2015. Collection method: clinical testing. Allele origin: germline.

PreventionGenetics, part of Exact Sciences
Classification: Likely benign for TRIP12-related condition. Last evaluated: 2022-09-08. Review status: no assertion criteria provided. Collection method: clinical testing. Allele origin: germline. Not counted in ClinVar's aggregate classification.
Comment: This variant is classified as likely benign based on ACMG/AMP sequence variant interpretation guidelines (Richards et al. 2015 PMID: 25741868, with internal and published modifications).

NM_001348323.3(TRIP12):c.5802G>A (p.Pro1934=)

Gene: TRIP12 (thyroid hormone receptor interactor 12; minus strand). Cytogenetic location: 2q36.3.
Variant type: single nucleotide variant.
Coding change: c.5802G>A on transcript NM_001348323.3 (MANE Select); coding-DNA position 5802, G replaced by A.
Protein change: p.Pro1934=; no amino-acid change (proline 1934 retained).
Molecular consequence: synonymous variant.
Genome position (GRCh38, 1-based): chr2:229,771,525, C>T on the plus strand (G>A on the coding strand, the complement: TRIP12 is on the minus strand). VCF-style: chr2-229771525-C-T. GRCh37 (hg19) VCF-style: chr2-230636241-C-T.
Other names: c.5721G>A, p.Pro1907= (NM_001284214.2, NM_001348315.2); c.5676G>A, p.Pro1892= (NM_001284215.2, NM_001348316.2); c.4767G>A, p.Pro1589= (NM_001284216.2); c.5661G>A, p.Pro1887= (NM_001348317.1, NM_001348318.2); c.5787G>A, p.Pro1929= (NM_001348319.1, NM_001348320.2); c.5790G>A, p.Pro1930= (NM_001348321.1); c.5802G>A, p.Pro1934= (NM_001348322.1, NM_001348324.2, NM_001348325.2 and 2 more transcripts); c.5805G>A, p.Pro1935= (NM_001348328.1, NM_001348329.2, NM_001348330.2); and 4 more.
Identifiers: ClinVar variation 3054645 (VCV003054645.3), dbSNP rs376795567, ClinGen allele CA2152239.
Genomic context (GRCh38, chr2:229,771,525, plus strand): 5'-ACACTCCACTAAAATTATAGGTATGACCATTTCTTTTAGATATAAGCTACTCACTTCCTC[C>T]GGGTAGAAGTACTGAAGATGACTGAGTGGGAAGACTGATTCAAATCCATCTCTGAACGAA-3'
Protein context (NP_001335252.1, residues 1924-1944): FPLSHLQYFY[Pro1934=]EELDQLLCGS